The following is an entry in ClinVar:

ClinVar aggregate classification (germline): Pathogenic/Likely pathogenic. Review status: criteria provided, multiple submitters, no conflicts (2 of 4 stars). 6 submissions from 6 submitters: Pathogenic (1); Likely pathogenic (5). Last evaluated 2025-11-07.

Conditions:
Spinocerebellar ataxia type 29 (SCA29). Also called: CEREBELLAR ATAXIA, CONGENITAL NONPROGRESSIVE, AUTOSOMAL DOMINANT; Spinocerebellar ataxia 29, congenital nonprogressive. Identifiers: Orphanet 208513, MedGen C1861732, MONDO:0007298, OMIM 117360.
ITPR1-related disorder. Also called: ITPR1-related condition.
Spinocerebellar ataxia type 15/16 (SCA15). Also called: Spinocerebellar Ataxia Type 15. Identifiers: Orphanet 98769, MedGen C1847725, MONDO:0011694, OMIM 606658.

Submissions (6):

3billion
Classification: Likely pathogenic for ITPR1-related disorder. Last evaluated: 2025-11-07. Review status: criteria provided, single submitter. Criteria: ACMG Guidelines, 2015. Collection method: clinical testing. Allele origin: germline. Affected: yes.
Comment: The variant is not observed in the gnomAD v4.1.0 dataset. Predicted Consequence/Location: Inframe deletion located in a nonrepeat region: predicted to change the length of the protein and disrupt normal protein function. The variant has been reported at least twice as likely pathogenic with clinical assertions and evidence for the classification (ClinVar ID: VCV000633506). Therefore, this variant is classified as Likely pathogenic according to the recommendation of ACMG/AMP guideline.

Women's Health and Genetics/Laboratory Corporation of America, LabCorp
Classification: Likely pathogenic for Spinocerebellar ataxia type 29. Last evaluated: 2024-04-05. Review status: criteria provided, single submitter. Criteria: LabCorp Variant Classification Summary - May 2015. Collection method: clinical testing. Allele origin: germline.
Comment: Variant summary: ITPR1 c.742_744delGAG (p.Glu248del) results in an in-frame deletion that is predicted to remove one amino acid from the encoded protein. The variant was absent in 248370 control chromosomes (gnomAD). The available data on variant occurrences in the general population are insufficient to allow any conclusion about variant significance. To our knowledge, no occurrence of c.742_744delGAG in individuals affected with Spinocerebellar Ataxia 29 and no experimental evidence demonstrating its impact on protein function have been reported in the literature. There are at least three reports of other germline mosaic missense variants in individuals affected with spinocerebellar ataxia and Gillespie syndrome (PMID: 37821226, 31632679, 35118825). ClinVar contains an entry for this variant (Variation ID: 633506). One ClinVar submitter has reported this variant to be inherited in a de novo manner. Based on the evidence outlined above, the variant was classified as likely pathogenic.

Victorian Clinical Genetics Services, Murdoch Childrens Research Institute
Classification: Pathogenic for Spinocerebellar ataxia type 29. Last evaluated: 2023-07-17. Review status: criteria provided, single submitter. Criteria: ACMG Guidelines, 2015. Collection method: clinical testing. Allele origin: germline. Inheritance: Autosomal dominant inheritance. Affected: yes.
Comment: Based on the classification scheme VCGS_Germline_v1.3.4, this variant is classified as Pathogenic. Following criteria are met: 0103 - Loss of function and gain of function are known mechanisms of disease in this gene and are associated with spinocerebellar ataxia 29, congenital nonprogressive (MIM#117360). Missense variants have been reported to cause both loss and gain of function mechanisms (PMID:28620721, PMID:29925855, OMIM), while variants resulting in a truncated protein have been reported to cause loss of function only (PMID:29925855). (I) 0108 - This gene is associated with both recessive and dominant disease. There is no established genotype-phenotype correlation regarding the location of a variant and its mode of inheritance; however, only biallelic truncating variants have been reported for recessive disease (PMID:29925855). (I) 0213 - In-frame insertion/deletion in a non-repetitive region that has high conservation. (SP) 0251 - This variant is heterozygous. (I) 0301 - Variant is absent from gnomAD (both v2 and v3). (SP) 0602 - Variant is located in a hotspot region or cluster of pathogenic variants (DECIPHER). (SP) 0705 - No comparable inframe variants have previous evidence for pathogenicity. (I) 0802 - This variant has moderate previous evidence of pathogenicity in unrelated individuals. This variant has been reported once as a VUS (LOVD) and three times as likely pathogenic in a clinical testing laboratory, where in at least one case, de novo inheritance was observed (ClinVar). (SP) 0905 - No published segregation evidence has been identified for this variant. (I) 1007 - No published functional evidence has been identified for this variant. (SP) Legend: (SP) - Supporting pathogenic, (I) - Information, (SB) - Supporting benign

Baylor Genetics
Classification: Likely pathogenic for Spinocerebellar ataxia type 15/16. Last evaluated: 2018-01-16. Review status: criteria provided, single submitter. Criteria: ACMG Guidelines, 2015. Collection method: clinical testing. Allele origin: de novo. Affected: yes.
Comment: This variant was determined to be likely pathogenic according to ACMG Guidelines, 2015 [PMID:25741868].

Laboratory of Molecular Genetics (Pr. Bezieau's lab), CHU de Nantes
Classification: Likely pathogenic. Last evaluated: 2018-01-16. Review status: criteria provided, single submitter. Criteria: ACMG Guidelines, 2015. Collection method: clinical testing. Allele origin: germline. Affected: yes.

Genetic Services Laboratory, University of Chicago
Classification: Likely pathogenic. Last evaluated: 2017-09-28. Review status: criteria provided, single submitter. Criteria: ACMG Guidelines, 2015. Collection method: clinical testing. Allele origin: germline. Affected: yes.

Literature cited by the submitters: PubMed 28620721 (cited by Victorian Clinical Genetics Services, Murdoch Childrens Research Institute); PubMed 29925855 (cited by Victorian Clinical Genetics Services, Murdoch Childrens Research Institute).

NM_001378452.1(ITPR1):c.742_744del (p.Glu248del)

Gene: ITPR1 (inositol 1,4,5-trisphosphate receptor type 1; plus strand). Cytogenetic location: 3p26.1.
Variant type: Deletion.
Coding change: c.742_744del on transcript NM_001378452.1 (MANE Select); coding-DNA positions 742 to 744, 3 bases deleted (GAG; older notation c.742_744delGAG).
Protein change: p.Glu248del; deletes glutamic acid 248.
Molecular consequence: inframe deletion.
Genome position (GRCh38, 1-based): chr3:4,645,615-4,645,617, GAG deleted; deleting any 3 consecutive bases within chr3:4,645,613-4,645,617 gives the same sequence; the c. name uses the placement nearest the transcript's 3' end. VCF-style (leftmost placement, unchanged base first): chr3-4645612-CAGG-C. GRCh37 (hg19) VCF-style: chr3-4687296-CAGG-C.
Other names: c.742_744del, p.Glu248del (NM_001099952.4, NM_001168272.2, NM_002222.7); c.742_744delGAG (NM_002222.7, NM_002222.5); short protein forms E248del.
Identifiers: ClinVar variation 633506 (VCV000633506.9), dbSNP rs1559603328, ClinGen allele CA913189741.
Genomic context (GRCh38, chr3:4,645,612, plus strand): 5'-TCCTTAATTCTTTCTTGTGTTGACTGTCAGGGTGACGTGGTGAGGCTGTTTCATGCTGAG[CAGG>C]AGAAGTTTCTCACCTGTGACGAACACAGGAAGAAGCAGCACGTCTTCCTGAGAACCACGG-3'